The following is an entry in ClinVar:

NM_000035.4(ALDOB):c.113-1G>C

Gene: ALDOB (aldolase, fructose-bisphosphate B; minus strand). Cytogenetic location: 9q31.1.
Variant type: single nucleotide variant.
Coding change: c.113-1G>C on transcript NM_000035.4 (MANE Select); the canonical splice acceptor site of the intron before coding-DNA position 113, G replaced by C.
Molecular consequence: splice acceptor variant.
Genome position (GRCh38, 1-based): chr9:101,429,967, C>G on the plus strand (G>C on the coding strand, the complement: ALDOB is on the minus strand). VCF-style: chr9-101429967-C-G. GRCh37 (hg19) VCF-style: chr9-104192249-C-G.
Other names: c.113-1G>C (NM_000035.3).
Identifiers: ClinVar variation 1513041 (VCV001513041.9), dbSNP rs748663340, ClinGen allele CA5161722.

ClinVar aggregate classification (germline): Pathogenic/Likely pathogenic. Review status: criteria provided, multiple submitters, no conflicts (2 of 4 stars). 3 submissions from 3 submitters: Pathogenic (1); Likely pathogenic (2). Last evaluated 2025-04-09.

Conditions:
Hereditary fructosuria. Also called: ALDOB DEFICIENCY; ALDOLASE B DEFICIENCY; FRUCTOSE-1,6-BISPHOSPHATE ALDOLASE B DEFICIENCY; FRUCTOSE-1-PHOSPHATE ALDOLASE DEFICIENCY; FRUCTOSEMIA; Hereditary fructose intolerance. Identifiers: Orphanet 469, MedGen C0016751, MONDO:0009249, OMIM 229600, HP:0005973. Disease mechanism: loss of function.
ALDOB-related disorder. Also called: ALDOB-related condition.

gnomAD v4.1: 3 of 1,613,840 alleles (0.00019%); highest among the groups gnomAD compares: Admixed American, 0.005%; no homozygotes.

Submissions (3):

PreventionGenetics, part of Exact Sciences
Classification: Likely pathogenic for ALDOB-related condition. Last evaluated: 2025-04-09. Review status: criteria provided, single submitter. Criteria: ACMG Guidelines, 2015. Collection method: clinical testing. Allele origin: germline.
Comment: The ALDOB c.113-1G>C variant is predicted to disrupt the AG splice acceptor site and interfere with normal splicing. To our knowledge, this variant has not been reported in the literature in association with disease. It is reported in 0.0087% of alleles in individuals of Latino descent in gnomAD. A different nucleotide substitution at the same position (c.113-1G>A) was reported in the compound heterozygous state in an individual with fructose intolerance (Santer et al. 2005. PubMed ID: 15880727), and variants that disrupt consensus splice acceptor sites in ALDOB are expected to be pathogenic. This variant is interpreted as likely pathogenic.

Labcorp Genetics (formerly Invitae), Labcorp
Classification: Likely pathogenic for Hereditary fructosuria. Last evaluated: 2024-02-20. Review status: criteria provided, single submitter. Criteria: Invitae Variant Classification Sherloc (09022015). Collection method: clinical testing. Allele origin: germline.
Comment: This sequence change affects an acceptor splice site in intron 2 of the ALDOB gene. It is expected to disrupt RNA splicing. Variants that disrupt the donor or acceptor splice site typically lead to a loss of protein function (PMID: 16199547), and loss-of-function variants in ALDOB are known to be pathogenic (PMID: 18541450). This variant is present in population databases (rs748663340, gnomAD 0.009%). Disruption of this splice site has been observed in individual(s) with fructose intolerance (PMID: 15880727). ClinVar contains an entry for this variant (Variation ID: 1513041). Algorithms developed to predict the effect of sequence changes on RNA splicing suggest that this variant may disrupt the consensus splice site. In summary, the currently available evidence indicates that the variant is pathogenic, but additional data are needed to prove that conclusively. Therefore, this variant has been classified as Likely Pathogenic.

Baylor Genetics
Classification: Pathogenic for Hereditary fructosuria. Last evaluated: 2023-05-13. Review status: criteria provided, single submitter. Criteria: ACMG Guidelines, 2015. Collection method: clinical testing. Allele origin: unknown.

Literature cited by the submitters: PubMed 16199547 (cited by Labcorp Genetics (formerly Invitae), Labcorp); PubMed 18541450 (cited by Labcorp Genetics (formerly Invitae), Labcorp); PubMed 15880727 (cited by Labcorp Genetics (formerly Invitae), Labcorp).